The following is an entry in ClinVar:

ClinVar aggregate classification (germline): Likely benign (0 of 4 stars; one submission).

Conditions:
DNAH17-related disorder. Also called: DNAH17-related condition.

Allele frequency attached by ClinVar (database versions not stated): ESP Exome Variant Server 0.00008; gnomAD 0.00009; ExAC 0.00017; 1000 Genomes Project 30x 0.00031; 1000 Genomes Project 0.00040.
gnomAD v4.1: 177 of 1,583,646 alleles (0.011%); highest among the groups gnomAD compares: Middle Eastern, 0.24%; 2 homozygotes.

Submission:

PreventionGenetics, part of Exact Sciences
Classification: Likely benign for DNAH17-related condition. Last evaluated: 2019-02-28. Review status: no assertion criteria provided. Collection method: clinical testing. Allele origin: germline.
Comment: This variant is classified as likely benign based on ACMG/AMP sequence variant interpretation guidelines (Richards et al. 2015 PMID: 25741868, with internal and published modifications).

NM_173628.4(DNAH17):c.5323-9A>T

Genes: DNAH17 (dynein axonemal heavy chain 17; minus strand), DNAH17-AS1 (DNAH17 antisense RNA 1; plus strand). Cytogenetic location: 17q25.3.
Variant type: single nucleotide variant.
Coding change: c.5323-9A>T on transcript NM_173628.4 (MANE Select); 9 bases into the intron before coding-DNA position 5323, A replaced by T.
Molecular consequence: intron variant. On other transcripts: non-coding transcript variant (1).
Genome position (GRCh38, 1-based): chr17:78,501,353, T>A on the plus strand (A>T on the coding strand, the complement: DNAH17 is on the minus strand). VCF-style: chr17-78501353-T-A. GRCh37 (hg19) VCF-style: chr17-76497435-T-A.
Identifiers: ClinVar variation 3038814 (VCV003038814.2), dbSNP rs377556476, ClinGen allele CA8803295.